The following is an entry in ClinVar:

ClinVar aggregate classification (germline): Uncertain significance (1 of 4 stars; one submission).

Allele frequency attached by ClinVar (database versions not stated): gnomAD 0.00003; TOPMed 0.00003.
gnomAD v4.1: 39 of 1,614,098 alleles (0.0024%); highest among the groups gnomAD compares: Admixed American, 0.0033%; no homozygotes.

Submission:

Labcorp Genetics (formerly Invitae), Labcorp
Classification: Uncertain significance. Last evaluated: 2022-01-04. Review status: criteria provided, single submitter. Criteria: Invitae Variant Classification Sherloc (09022015). Collection method: clinical testing. Allele origin: germline.
Comment: In summary, the available evidence is currently insufficient to determine the role of this variant in disease. Therefore, it has been classified as a Variant of Uncertain Significance. Algorithms developed to predict the effect of missense changes on protein structure and function output the following: SIFT: "Tolerated"; PolyPhen-2: "Benign"; Align-GVGD: "Class C0". The isoleucine amino acid residue is found in multiple mammalian species, which suggests that this missense change does not adversely affect protein function. This variant has not been reported in the literature in individuals affected with DSCAML1-related conditions. This variant is present in population databases (no rsID available, gnomAD 0.003%). This sequence change replaces valine, which is neutral and non-polar, with isoleucine, which is neutral and non-polar, at codon 1195 of the DSCAML1 protein (p.Val1195Ile).

NM_020693.4(DSCAML1):c.3403G>A (p.Val1135Ile)

Gene: DSCAML1 (DS cell adhesion molecule like 1; minus strand). Cytogenetic location: 11q23.3.
Variant type: single nucleotide variant.
Coding change: c.3403G>A on transcript NM_020693.4 (MANE Select); coding-DNA position 3403, G replaced by A.
Protein change: p.Val1135Ile; replaces valine 1135 with isoleucine.
Molecular consequence: missense variant.
Genome position (GRCh38, 1-based): chr11:117,461,459, C>T on the plus strand (G>A on the coding strand, the complement: DSCAML1 is on the minus strand). VCF-style: chr11-117461459-C-T. GRCh37 (hg19) VCF-style: chr11-117332175-C-T.
Other names: short protein forms V1135I.
Identifiers: ClinVar variation 1921643 (VCV001921643.5), dbSNP rs894299545, ClinGen allele CA229365455.